The following is an entry in ClinVar:

ClinVar aggregate classification (germline): Uncertain significance (1 of 4 stars; one submission).

Conditions:
Inborn genetic diseases. Identifiers: MedGen C0950123, MeSH D030342.

gnomAD v4.1: 10 of 1,514,714 alleles (0.00066%); highest among the groups gnomAD compares: Non-Finnish European, 0.0007%; no homozygotes.

Submission:

Ambry Genetics
Classification: Uncertain significance for Inborn genetic diseases. Last evaluated: 2023-01-14. Review status: criteria provided, single submitter. Criteria: Ambry Variant Classification Scheme 2023. Collection method: clinical testing. Allele origin: germline.
Comment: The p.E1133V variant (also known as c.3398A>T), located in coding exon 25 of the LTBP3 gene, results from an A to T substitution at nucleotide position 3398. The glutamic acid at codon 1133 is replaced by valine, an amino acid with dissimilar properties. This amino acid position is conserved. In addition, the in silico prediction for this alteration is inconclusive. Since supporting evidence is limited at this time, the clinical significance of this alteration remains unclear.

NM_001130144.3(LTBP3):c.3398A>T (p.Glu1133Val)

Genes: LTBP3 (latent transforming growth factor beta binding protein 3; minus strand), LOC130006027 (ATAC-STARR-seq lymphoblastoid silent region 3530; plus strand). Cytogenetic location: 11q13.1.
Variant type: single nucleotide variant.
Coding change: c.3398A>T on transcript NM_001130144.3 (MANE Select); coding-DNA position 3398, A replaced by T.
Protein change: p.Glu1133Val; replaces glutamic acid 1133 with valine.
Molecular consequence: missense variant.
Genome position (GRCh38, 1-based): chr11:65,539,869, T>A on the plus strand (A>T on the coding strand, the complement: LTBP3 is on the minus strand). VCF-style: chr11-65539869-T-A. GRCh37 (hg19) VCF-style: chr11-65307340-T-A.
Other names: c.2906A>T, p.Glu969Val (NM_001164266.1); c.3257A>T, p.Glu1086Val (NM_021070.4); short protein forms E1086V, E1133V, E969V.
Identifiers: ClinVar variation 2447590 (VCV002447590.2), dbSNP rs748632960, ClinGen allele CA381266967.